The following is an entry in ClinVar:

ClinVar aggregate classification (germline): Uncertain significance (1 of 4 stars; one submission).

Conditions:
PLXNA1-related disorder. Also called: PLXNA1-related condition.

gnomAD v4.1: 72 of 1,613,638 alleles (0.0045%); highest among the groups gnomAD compares: Admixed American, 0.078%; no homozygotes.

Submission:

PreventionGenetics, part of Exact Sciences
Classification: Uncertain significance for PLXNA1-related condition. Last evaluated: 2025-11-11. Review status: criteria provided, single submitter. Criteria: ACMG Guidelines, 2015. Collection method: clinical testing. Allele origin: germline.
Comment: The PLXNA1 c.2242A>G variant is predicted to result in the amino acid substitution p.Ile748Val. To our knowledge, this variant has not been reported in the literature. This variant is reported in 0.052% of alleles in individuals of Latino descent in gnomAD, which may be too common to be causative. Although we suspect that this variant may be benign, at this time, the clinical significance of this variant is uncertain due to the absence of conclusive functional and genetic evidence.

NM_032242.4(PLXNA1):c.2242A>G (p.Ile748Val)

Gene: PLXNA1 (plexin A1; plus strand). Cytogenetic location: 3q21.3.
Variant type: single nucleotide variant.
Coding change: c.2242A>G on transcript NM_032242.4 (MANE Select); coding-DNA position 2242, A replaced by G.
Protein change: p.Ile748Val; replaces isoleucine 748 with valine.
Molecular consequence: missense variant.
Genome position (GRCh38, 1-based): chr3:127,012,087, A>G. VCF-style: chr3-127012087-A-G. GRCh37 (hg19) VCF-style: chr3-126730930-A-G.
Other names: short protein forms I748V.
Identifiers: ClinVar variation 4979127 (VCV004979127.1).
Genomic context (GRCh38, chr3:127,012,087, plus strand): 5'-GCCGCACGGAACCTGCCACAGCCACAGTCAGGCCAGCGTGGATATGAGTGCCTCTTCCAC[A>G]TCCCGGGCAGCCCGGCCCGTGTCACCGCCCTGCGCTTCAACAGCTCCAGCCTGCAGTGCC-3'
Protein context (NP_115618.3, residues 738-758): GQRGYECLFH[Ile748Val]PGSPARVTAL